The following is an entry in ClinVar:

ClinVar aggregate classification (germline): Uncertain significance. Review status: criteria provided, multiple submitters, no conflicts (2 of 4 stars). 2 submissions from 2 submitters: Uncertain significance (2). Last evaluated 2025-10-29.

Conditions:
Brain small vessel disease 1 with or without ocular anomalies (BSVD1). Also called: BRAIN SMALL VESSEL DISEASE WITH HEMORRHAGE; Brain small vessel disease with or without ocular anomalies; GOULD SYNDROME 1; PORENCEPHALY, TYPE 1, AUTOSOMAL DOMINANT. Identifiers: Orphanet 2940, Orphanet 36383, Orphanet 99810, MedGen C4755307, MONDO:0008289, OMIM 175780.
Hemorrhage, intracerebral, susceptibility to (ICH). Also called: Stroke, hemorrhagic, susceptibility to. Identifiers: MedGen C3281105, MONDO:0100533, OMIM 614519.
Retinal arterial tortuosity. Also called: RETINAL HEMORRHAGE WITH VASCULAR TORTUOSITY; Retinal arteries, tortuosity of. Identifiers: Orphanet 75326, MedGen C0423401, MONDO:0008373, OMIM 180000, HP:0000631.
Autosomal dominant familial hematuria-retinal arteriolar tortuosity-contractures syndrome. Also called: Angiopathy, hereditary, with nephropathy, aneurysms, and muscle cramps; Hereditary Angiopathy with Nephropathy, Aneurysms, and Muscle Cramps (HANAC) Syndrome. Identifiers: Orphanet 73229, MedGen C2673195, MONDO:0012726, OMIM 611773.
Microangiopathy and leukoencephalopathy, pontine, autosomal dominant. Also called: DEMENTIA, HEREDITARY MULTI-INFARCT, SWEDISH TYPE; Pontine autosomal dominant microangiopathy with leukoencephalopathy. Identifiers: Orphanet 477749, MedGen C5231411, MONDO:0032814, OMIM 618564.

gnomAD v4.1: 12 of 1,614,162 alleles (0.00074%); highest among the groups gnomAD compares: South Asian, 0.011%; no homozygotes.

Submissions (2):

Labcorp Genetics (formerly Invitae), Labcorp
Classification: Uncertain significance. Last evaluated: 2025-10-29. Review status: criteria provided, single submitter. Criteria: Invitae Variant Classification Sherloc (09022015). Collection method: clinical testing. Allele origin: germline.
Comment: This sequence change replaces methionine, which is neutral and non-polar, with valine, which is neutral and non-polar, at codon 271 of the COL4A1 protein (p.Met271Val). This variant is present in population databases (rs759968616, gnomAD 0.01%). This variant has not been reported in the literature in individuals affected with COL4A1-related conditions. ClinVar contains an entry for this variant (Variation ID: 3575746). Invitae Evidence Modeling of protein sequence and biophysical properties (such as structural, functional, and spatial information, amino acid conservation, physicochemical variation, residue mobility, and thermodynamic stability) indicates that this missense variant is not expected to disrupt COL4A1 protein function with a negative predictive value of 95%. In summary, the available evidence is currently insufficient to determine the role of this variant in disease. Therefore, it has been classified as a Variant of Uncertain Significance.

Fulgent Genetics
Classification: Uncertain significance for Brain small vessel disease 1 with or without ocular anomalies; Retinal arterial tortuosity; Autosomal dominant familial hematuria-retinal arteriolar tortuosity-contractures syndrome; Hemorrhage, intracerebral, susceptibility to; Microangiopathy and leukoencephalopathy, pontine, autosomal dominant. Last evaluated: 2024-04-01. Review status: criteria provided, single submitter. Criteria: ACMG Guidelines, 2015. Collection method: clinical testing. Allele origin: germline.

NM_001845.6(COL4A1):c.811A>G (p.Met271Val)

Gene: COL4A1 (collagen type IV alpha 1 chain; minus strand). Cytogenetic location: 13q34.
Variant type: single nucleotide variant.
Coding change: c.811A>G on transcript NM_001845.6 (MANE Select); coding-DNA position 811, A replaced by G.
Protein change: p.Met271Val; replaces methionine 271 with valine.
Molecular consequence: missense variant.
Genome position (GRCh38, 1-based): chr13:110,206,712, T>C on the plus strand (A>G on the coding strand, the complement: COL4A1 is on the minus strand). VCF-style: chr13-110206712-T-C. GRCh37 (hg19) VCF-style: chr13-110859059-T-C.
Other names: c.811A>G, p.Met271Val (NM_001303110.2); short protein forms M271V.
Identifiers: ClinVar variation 3575746 (VCV003575746.2).